The following is an entry in ClinVar:

ClinVar aggregate classification (germline): Uncertain significance (1 of 4 stars; one submission).

Conditions:
Developmental and epileptic encephalopathy, 30 (DEE30). Also called: Epileptic encephalopathy, early infantile, 30. Identifiers: MedGen C4225360, MONDO:0014595, OMIM 616341.

Submission:

Labcorp Genetics (formerly Invitae), Labcorp
Classification: Uncertain significance for Developmental and epileptic encephalopathy, 30. Last evaluated: 2023-10-16. Review status: criteria provided, single submitter. Criteria: Invitae Variant Classification Sherloc (09022015). Collection method: clinical testing. Allele origin: germline.
Comment: This sequence change replaces lysine, which is basic and polar, with asparagine, which is neutral and polar, at codon 96 of the SIK1 protein (p.Lys96Asn). This variant is not present in population databases (gnomAD no frequency). This variant has not been reported in the literature in individuals affected with SIK1-related conditions. An algorithm developed to predict the effect of missense changes on protein structure and function (PolyPhen-2) suggests that this variant is likely to be disruptive. In summary, the available evidence is currently insufficient to determine the role of this variant in disease. Therefore, it has been classified as a Variant of Uncertain Significance.

NM_173354.5(SIK1):c.288G>C (p.Lys96Asn)

Gene: SIK1 (salt inducible kinase 1; minus strand). Cytogenetic location: 21q22.3.
Variant type: single nucleotide variant.
Coding change: c.288G>C on transcript NM_173354.5 (MANE Select); coding-DNA position 288, G replaced by C.
Protein change: p.Lys96Asn; replaces lysine 96 with asparagine.
Molecular consequence: missense variant.
Genome position (GRCh38, 1-based): chr21:43,422,023, C>G on the plus strand (G>C on the coding strand, the complement: SIK1 is on the minus strand). VCF-style: chr21-43422023-C-G. GRCh37 (hg19) VCF-style: chr21-44841903-C-G.
Other names: short protein forms K96N.
Identifiers: ClinVar variation 2769051 (VCV002769051.3), dbSNP rs2516967999, ClinGen allele CA410610568.
Genomic context (GRCh38, chr21:43,422,023, plus strand): 5'-GTGTGGCTTACCAAACATTTCTCCATTTTTAGCAAATTCAGTGACGATGTAAAGCATGTC[C>G]TTTGTTTCCATAACCTAAAGAAGAAAGACCTGACATTTAACCGCACAAAAAAGGCACAAG-3'
Protein context (NP_775490.2, residues 86-106): IIKLYQVMET[Lys96Asn]DMLYIVTEFA